The following is an entry in ClinVar:

NM_001005498.4(RHBDF2):c.1639-11C>G

Gene: RHBDF2 (rhomboid 5 homolog 2; minus strand). Cytogenetic location: 17q25.1.
Variant type: single nucleotide variant.
Coding change: c.1639-11C>G on transcript NM_001005498.4 (MANE Select); 11 bases into the intron before coding-DNA position 1639, C replaced by G.
Molecular consequence: intron variant.
Genome position (GRCh38, 1-based): chr17:76,473,753, G>C on the plus strand (C>G on the coding strand, the complement: RHBDF2 is on the minus strand). VCF-style: chr17-76473753-G-C. GRCh37 (hg19) VCF-style: chr17-74469835-G-C.
Other names: c.1726-11C>G (NM_024599.5); c.1639-11C>G (NM_001376230.1, NM_001376228.1, NM_001376229.1).
Identifiers: ClinVar variation 325431 (VCV000325431.10), dbSNP rs141461044, ClinGen allele CA8786902.
Genomic context (GRCh38, chr17:76,473,753, plus strand): 5'-TCCATGTGCAGGAAGCCTGTGTGGTTGCTCCTGGCCTGCTCTGTGCAGATCTGCCAGGAG[G>C]GGGCACCGGCAGGGAAGTGGGCTGTGCAGCAGGCAGGTCCCCCATCCCTGACCTTCCCAG-3'

ClinVar aggregate classification (germline): Benign/Likely benign. Review status: criteria provided, multiple submitters, no conflicts (2 of 4 stars). 3 submissions from 3 submitters: Benign (2); Likely benign (1). Last evaluated 2026-01-12.

Conditions:
Palmoplantar keratoderma-esophageal carcinoma syndrome (TOC). Also called: KERATOSIS PALMARIS ET PLANTARIS WITH ESOPHAGEAL CANCER; PALMOPLANTAR KERATODERMA WITH ESOPHAGEAL CANCER; Tylosis with Esophageal Cancer. Identifiers: Orphanet 2198, MedGen C1835664, MONDO:0007856, OMIM 148500.

Allele frequency attached by ClinVar (database versions not stated): 1000 Genomes Project 0.00240; 1000 Genomes Project 30x 0.00281; ESP Exome Variant Server 0.00338; TOPMed 0.00356.
gnomAD v4.1: 1,013 of 1,611,896 alleles (0.063%); highest among the groups gnomAD compares: African/African-American, 1.2%; 5 homozygotes.

Submissions (11):

Labcorp Genetics (formerly Invitae), Labcorp
Classification: Benign. Last evaluated: 2026-01-12. Review status: criteria provided, single submitter. Criteria: Invitae Variant Classification Sherloc (09022015). Collection method: clinical testing. Allele origin: germline.

Blueprint Genetics
Classification: Likely benign. Last evaluated: 2024-02-20. Review status: criteria provided, single submitter. Criteria: ACMG Guidelines, 2015. Collection method: clinical testing. Allele origin: germline.

Illumina Laboratory Services, Illumina
Classification: Benign for Palmoplantar keratoderma-esophageal carcinoma syndrome. Last evaluated: 2018-01-12. Review status: criteria provided, single submitter. Criteria: ICSL Variant Classification Criteria 13 December 2019. Collection method: clinical testing. Allele origin: germline.
Comment: This variant was observed in the ICSL laboratory as part of a predisposition screen in an ostensibly healthy population. It had not been previously curated by ICSL or reported in the Human Gene Mutation Database (HGMD: prior to June 1st, 2018), and was therefore a candidate for classification through an automated scoring system. Utilizing variant allele frequency, disease prevalence and penetrance estimates, and inheritance mode, an automated score was calculated to assess if this variant is too frequent to cause the disease. Based on the score and internal cut-off values, a variant classified as benign is not then subjected to further curation. The score for this variant resulted in a classification of benign for this disease.

Dr. Peter K. Rogan Lab, Western University
No classification provided (evidence only). Condition: Familial cancer of breast. Review status: no classification provided. Collection method: in vitro. Allele origin: not applicable. Functional consequence: retained intron. Not counted in ClinVar's aggregate classification.

Dr. Peter K. Rogan Lab, Western University
No classification provided (evidence only). Condition: Familial cancer of breast. Review status: no classification provided. Collection method: in vitro. Allele origin: not applicable. Functional consequence: retained intron. Not counted in ClinVar's aggregate classification.

Dr. Peter K. Rogan Lab, Western University
No classification provided (evidence only). Condition: Acute myeloid leukemia. Review status: no classification provided. Collection method: in vitro. Allele origin: not applicable. Functional consequence: retained intron. Not counted in ClinVar's aggregate classification.

Dr. Peter K. Rogan Lab, Western University
No classification provided (evidence only). Condition: Acute myeloid leukemia. Review status: no classification provided. Collection method: in vitro. Allele origin: not applicable. Functional consequence: retained intron. Not counted in ClinVar's aggregate classification.

Dr. Peter K. Rogan Lab, Western University
No classification provided (evidence only). Condition: Uterine corpus endometrial carcinoma. Review status: no classification provided. Collection method: in vitro. Allele origin: not applicable. Functional consequence: retained intron. Not counted in ClinVar's aggregate classification.

Dr. Peter K. Rogan Lab, Western University
No classification provided (evidence only). Condition: Cervical cancer. Review status: no classification provided. Collection method: in vitro. Allele origin: not applicable. Functional consequence: retained intron. Not counted in ClinVar's aggregate classification.

Dr. Peter K. Rogan Lab, Western University
No classification provided (evidence only). Condition: Gastric cancer. Review status: no classification provided. Collection method: in vitro. Allele origin: not applicable. Functional consequence: retained intron. Not counted in ClinVar's aggregate classification.

Dr. Peter K. Rogan Lab, Western University
No classification provided (evidence only). Condition: Uterine carcinosarcoma. Review status: no classification provided. Collection method: in vitro. Allele origin: not applicable. Functional consequence: retained intron. Not counted in ClinVar's aggregate classification.